The following is an entry in ClinVar:

NM_006922.4(SCN3A):c.4274C>A (p.Ala1425Glu)

Gene: SCN3A (sodium voltage-gated channel alpha subunit 3; minus strand). Cytogenetic location: 2q24.3.
Variant type: single nucleotide variant.
Coding change: c.4274C>A on transcript NM_006922.4 (MANE Select); coding-DNA position 4274, C replaced by A.
Protein change: p.Ala1425Glu; replaces alanine 1425 with glutamic acid.
Molecular consequence: missense variant.
Genome position (GRCh38, 1-based): chr2:165,096,486, G>T on the plus strand (C>A on the coding strand, the complement: SCN3A is on the minus strand). VCF-style: chr2-165096486-G-T. GRCh37 (hg19) VCF-style: chr2-165952996-G-T.
Other names: c.4127C>A, p.Ala1376Glu (NM_001081676.2, NM_001081677.2); short protein forms A1376E, A1425E.
Identifiers: ClinVar variation 1431698 (VCV001431698.6), dbSNP rs1255195084, ClinGen allele CA349024237.

ClinVar aggregate classification (germline): Uncertain significance (1 of 4 stars; one submission).

Allele frequency attached by ClinVar (database versions not stated): gnomAD exomes below 0.00001; TOPMed 0.00001.
gnomAD v4.1: 1 of 1,611,176 alleles (0.000062%); highest among the groups gnomAD compares: Admixed American, 0.0017%; no homozygotes.

Submission:

Labcorp Genetics (formerly Invitae), Labcorp
Classification: Uncertain significance. Last evaluated: 2025-03-16. Review status: criteria provided, single submitter. Criteria: Invitae Variant Classification Sherloc (09022015). Collection method: clinical testing. Allele origin: germline.
Comment: This sequence change replaces alanine, which is neutral and non-polar, with glutamic acid, which is acidic and polar, at codon 1425 of the SCN3A protein (p.Ala1425Glu). This variant is present in population databases (no rsID available, gnomAD 0.003%). This variant has not been reported in the literature in individuals affected with SCN3A-related conditions. ClinVar contains an entry for this variant (Variation ID: 1431698). Invitae Evidence Modeling of protein sequence and biophysical properties (such as structural, functional, and spatial information, amino acid conservation, physicochemical variation, residue mobility, and thermodynamic stability) has been performed for this missense variant. However, the output from this modeling did not meet the statistical confidence thresholds required to predict the impact of this variant on SCN3A protein function. In summary, the available evidence is currently insufficient to determine the role of this variant in disease. Therefore, it has been classified as a Variant of Uncertain Significance.